The following is an entry in ClinVar:

ClinVar aggregate classification (germline): Likely benign. Review status: criteria provided, multiple submitters, no conflicts (2 of 4 stars). 2 submissions from 2 submitters: Likely benign (2). Last evaluated 2026-08-03.

Conditions:
DIAPH3-related disorder. Also called: DIAPH3-related condition.

Allele frequency attached by ClinVar (database versions not stated): gnomAD 0.00007; ExAC 0.00013; ESP Exome Variant Server 0.00017.
gnomAD v4.1: 284 of 1,606,026 alleles (0.018%); highest among the groups gnomAD compares: Non-Finnish European, 0.023%; no homozygotes.

Submissions (2):

PreventionGenetics, part of Exact Sciences
Classification: Likely benign for DIAPH3-related condition. Last evaluated: 2026-08-03. Review status: criteria provided, single submitter. Criteria: ACMG Guidelines, 2015. Collection method: clinical testing. Allele origin: germline.
Comment: This variant is classified as likely benign based on ACMG/AMP sequence variant interpretation guidelines (Richards et al. 2015 PMID: 25741868, with internal and published modifications).

Labcorp Genetics (formerly Invitae), Labcorp
Classification: Likely benign. Last evaluated: 2025-06-19. Review status: criteria provided, single submitter. Criteria: Invitae Variant Classification Sherloc (09022015). Collection method: clinical testing. Allele origin: germline.

NM_001042517.2(DIAPH3):c.2049G>A (p.Glu683=)

Gene: DIAPH3 (diaphanous related formin 3; minus strand). Cytogenetic location: 13q21.2.
Variant type: single nucleotide variant.
Coding change: c.2049G>A on transcript NM_001042517.2 (MANE Select); coding-DNA position 2049, G replaced by A.
Protein change: p.Glu683=; no amino-acid change (glutamic acid 683 retained).
Molecular consequence: synonymous variant.
Genome position (GRCh38, 1-based): chr13:59,969,969, C>T on the plus strand (G>A on the coding strand, the complement: DIAPH3 is on the minus strand). VCF-style: chr13-59969969-C-T. GRCh37 (hg19) VCF-style: chr13-60544103-C-T.
Other names: c.2049G>A (NM_001042517.1); c.2016G>A, p.Glu672= (NM_001258366.2); c.1911G>A, p.Glu637= (NM_001258367.2); c.1839G>A, p.Glu613= (NM_001258368.2); c.2049G>A, p.Glu683= (NM_001258369.2); c.1260G>A, p.Glu420= (NM_001258370.2, NM_030932.4).
Identifiers: ClinVar variation 2726266 (VCV002726266.4), dbSNP rs372054806, ClinGen allele CA6996511.